The following is an entry in ClinVar:

ClinVar aggregate classification (germline): Likely pathogenic (0 of 4 stars; one submission).

Conditions:
Retinoblastoma (RB1). Also called: RETINOBLASTOMA, SOMATIC. Identifiers: Orphanet 790, MedGen C0035335, MeSH D012175, MONDO:0008380, OMIM 180200, HP:0009919. Disease mechanism: loss of function. Inheritance: Both sporadic and heritable forms are tested..

Submission:

Diagnostics Centre, Carl Von Ossietzky University Oldenburg
Classification: Likely pathogenic for Retinoblastoma. Last evaluated: 2026-02-02. Review status: no assertion criteria provided. Collection method: clinical testing. Allele origin: germline. Affected: yes. Observed: 1 variant allele.
Comment: The variant NM_000321.3(RB1):c.904dup p.(Ser302Phefs*8) located in the exon 9 of the RB1 causes a frameshift at protein position 302 and the formation of a premature stop codon after five amino acids. The altered gene product is predicted to be degraded by nonsense-mediated decay in a gene where loss-of-function is a known mechanism of disease. The variant has not previously been reported in ClinVar or in any publications known to us. In the general population, this variant is considered very rare, as it has not been reported in gnomAD. In summary, this variant is classified as Likely pathogenic.

NM_000321.3(RB1):c.904dup (p.Ser302fs)

Gene: RB1 (RB transcriptional corepressor 1; plus strand). Cytogenetic location: 13q14.2.
Variant type: Duplication.
Coding change: c.904dup on transcript NM_000321.3 (MANE Select); coding-DNA position 904, one base duplicated (T; older notation c.904dupT).
Protein change: p.Ser302fs; shifts the reading frame from serine 302.
Molecular consequence: frameshift variant.
Genome position (GRCh38, 1-based): chr13:48,364,936, T duplicated; the last of 2 consecutive T bases (chr13:48,364,935-48,364,936); duplicating either gives the same sequence. VCF-style (leftmost placement, unchanged base first): chr13-48364934-A-AT. GRCh37 (hg19) VCF-style: chr13-48939070-A-AT.
Other names: c.904dup, p.Ser302fs (NM_001407165.1, NM_001407166.1); short protein forms S302fs.
Identifiers: ClinVar variation 4886818 (VCV004886818.1).